The following is an entry in ClinVar:

ClinVar aggregate classification (germline): Likely pathogenic (0 of 4 stars; one submission).

Conditions:
Pyruvate dehydrogenase E1-alpha deficiency (PDHAD). Also called: ATAXIA, INTERMITTENT, WITH PYRUVATE DEHYDROGENASE DEFICIENCY; ATAXIA WITH LACTIC ACIDOSIS I; ATAXIA, INTERMITTENT, WITH ABNORMAL PYRUVATE METABOLISM; Ataxia, intermittent, with pyruvate dehydrogenase, or decarboxylase, deficiency. Identifiers: Orphanet 79243, MedGen C1839413, MONDO:0010717, OMIM 312170.

Submission:

PDHA1 Study Group, University Children’s Hospital, Paracelsus Medical University
Classification: Likely pathogenic for Pyruvate dehydrogenase E1-alpha deficiency. Last evaluated: 2024-10-15. Review status: no assertion criteria provided. Collection method: research. Allele origin: de novo. Affected: yes. Observed: 1 variant allele.
Comment: The NM_000284.3:c.291+5G>A (p.?) variant affects splicing in PDHA1 gene. Among them, 1 case had confirmed de novo occurrence. Last literature search: July 12, 2024. This variant is absent or extremely rare in population-based cohorts in the Genome Aggregation Database (gnomAD). Individuals harboring this variant presented with clinical features compatible with PDHA1-related PDHc deficiency. In summary, this variant meets criteria to be classified as likely pathogenic (LP) for PDHA1-related PDHc deficiency based on the ACMG/AMP criteria applied: PS2, PM2, PP3, BP4 (last assessment October 15, 2024).

Literature cited by the submitters: DOI 10.1093/brain/awaf430.

NM_000284.4(PDHA1):c.291+5G>A

Gene: PDHA1 (pyruvate dehydrogenase E1 subunit alpha 1; plus strand). Cytogenetic location: Xp22.12.
Variant type: single nucleotide variant.
Coding change: c.291+5G>A on transcript NM_000284.4 (MANE Select); 5 bases into the intron after coding-DNA position 291, G replaced by A.
Molecular consequence: intron variant.
Genome position (GRCh38, 1-based): chrX:19,350,115, G>A. VCF-style: chrX-19350115-G-A. GRCh37 (hg19) VCF-style: chrX-19368233-G-A.
Other names: c.405+5G>A (NM_001173454.2); c.291+5G>A (NM_001173455.2, NM_001173456.2).
Identifiers: ClinVar variation 4070306 (VCV004070306.1).
Genomic context (GRCh38, chrX:19,350,115, plus strand): 5'-ATCAGCTGTATAAACAGAAAATTATTCGTGGTTTCTGTCACTTGTGTGATGGTCAGGTGA[G>A]TGGTAGGTTTGTGGTGGAACTGTGTTATTTAGGTACTGAAGTATGGCTTGTACTTATTGG-3'